The following is an entry in ClinVar:

ClinVar aggregate classification (germline): Pathogenic. Review status: reviewed by expert panel (3 of 4 stars). 2 submissions from 2 submitters: Pathogenic (1). 1 of the submissions does not count toward it. Last evaluated 2017-12-15.

Conditions:
Familial cancer of breast. Also called: hereditary breast carcinoma; BREAST CANCER, FAMILIAL; Hereditary breast cancer. Identifiers: Orphanet 227535, MedGen C0346153, MONDO:0016419, OMIM 114480. Disease mechanism: loss of function.
Breast-ovarian cancer, familial, susceptibility to, 1 (BROVCA1). Also called: BRCA1 Hereditary Breast and Ovarian Cancer; OVARIAN CANCER, SUSCEPTIBILITY TO. Identifiers: Orphanet 145, MedGen C2676676, MONDO:0011450, OMIM 604370. Disease mechanism: loss of function.

Submissions (2):

Evidence-based Network for the Interpretation of Germline Mutant Alleles (ENIGMA)
Classification: Pathogenic for Breast-ovarian cancer, familial, susceptibility to, 1. Last evaluated: 2017-12-15. Review status: reviewed by expert panel. Criteria: ENIGMA BRCA1/2 Classification Criteria (2017-06-29). Collection method: curation. Allele origin: germline. Study: ENIGMA.
Comment: Variant allele predicted to encode a truncated non-functional protein.

ClinVar Staff, National Center for Biotechnology Information (NCBI)
No classification provided. Condition: Familial cancer of breast. Review status: no classification provided. Collection method: literature only. Allele origin: germline. Affected: yes. Not counted in ClinVar's aggregate classification.

Literature cited by the submitters: PubMed 11304778 (cited by ClinVar Staff, National Center for Biotechnology Information (NCBI)).

NM_007294.4(BRCA1):c.4167del (p.Ser1389fs)

Gene: BRCA1 (BRCA1 DNA repair associated; minus strand). Cytogenetic location: 17q21.31.
Variant type: Deletion.
Coding change: c.4167del on transcript NM_007294.4 (MANE Select); coding-DNA position 4167, one base deleted (T; older notation c.4167delT).
Protein change: p.Ser1389fs; shifts the reading frame from serine 1389.
Molecular consequence: frameshift variant. On other transcripts: non-coding transcript variant (1).
Genome position (GRCh38, 1-based): chr17:43,090,962, A deleted on the plus strand (T on the coding strand, the reverse complement: BRCA1 is on the minus strand). VCF-style (leftmost placement, unchanged base first): chr17-43090961-CA-C. GRCh37 (hg19) VCF-style: chr17-41242978-CA-C.
Other names: c.4164delT, p.Ser1388Argfs (NM_001407631.1, NM_001407632.1, NM_001407633.1 and 22 more transcripts); c.3954delT, p.Ser1318Argfs (NM_001407571.1, NM_001407853.1, NM_001407894.1 and 9 more transcripts); c.4167delT, p.Ser1389Argfs (NM_001407581.1, NM_001407582.1, NM_001407583.1 and 29 more transcripts); c.4158delT, p.Ser1386Argfs (NM_001407646.1, NM_001407647.1); c.4044delT, p.Ser1348Argfs (NM_001407648.1, NM_001407664.1, NM_001407665.1 and 19 more transcripts); c.4041delT, p.Ser1347Argfs (NM_001407649.1, NM_001407670.1, NM_001407671.1 and 11 more transcripts); c.4089delT, p.Ser1363Argfs (NM_001407653.1, NM_001407654.1, NM_001407655.1 and 4 more transcripts); c.4086delT, p.Ser1362Argfs (NM_001407659.1, NM_001407660.1, NM_001407661.1 and 1 more transcripts); and 44 more; short protein forms S1342fs, S1389fs, S286fs.
Identifiers: ClinVar variation 55122 (VCV000055122.3), dbSNP rs397509145, ClinGen allele CA002669.
Genomic context (GRCh38, chr17:43,090,961, plus strand): 5'-GACACCACACACACGCATGTGCACACACACACACGCTTTTTACCTGAGTGGTTAAAATGT[CA>C]CTCTGAGAGGATAGCCCTGAGCAGTCTTCAGAGACGCTTGTTTCACTCTCACACCCAGAT-3'